The following is an entry in ClinVar:

ClinVar aggregate classification (germline): Uncertain significance (1 of 4 stars; one submission).

Conditions:
Ehlers-Danlos syndrome, classic type, 1 (EDSCL1). Also called: EHLERS-DANLOS SYNDROME, GRAVIS TYPE; EHLERS-DANLOS SYNDROME, SEVERE CLASSIC TYPE; Ehlers-Danlos syndrome, type 1; Ehlers-Danlos Syndrome, Classic Type, COL5A1-Related; EDS I. Identifiers: MedGen C0268335, MONDO:0019567, OMIM 130000.

Submission:

Labcorp Genetics (formerly Invitae), Labcorp
Classification: Uncertain significance for Ehlers-Danlos syndrome, classic type, 1. Last evaluated: 2024-05-15. Review status: criteria provided, single submitter. Criteria: Invitae Variant Classification Sherloc (09022015). Collection method: clinical testing. Allele origin: germline.
Comment: This sequence change replaces cysteine, which is neutral and slightly polar, with serine, which is neutral and polar, at codon 71 of the COL5A2 protein (p.Cys71Ser). This variant is not present in population databases (gnomAD no frequency). This variant has not been reported in the literature in individuals affected with COL5A2-related conditions. Advanced modeling of protein sequence and biophysical properties (such as structural, functional, and spatial information, amino acid conservation, physicochemical variation, residue mobility, and thermodynamic stability) performed at Invitae indicates that this missense variant is not expected to disrupt COL5A2 protein function with a negative predictive value of 80%. In summary, the available evidence is currently insufficient to determine the role of this variant in disease. Therefore, it has been classified as a Variant of Uncertain Significance.

NM_000393.5(COL5A2):c.212G>C (p.Cys71Ser)

Gene: COL5A2 (collagen type V alpha 2 chain; minus strand). Cytogenetic location: 2q32.2.
Variant type: single nucleotide variant.
Coding change: c.212G>C on transcript NM_000393.5 (MANE Select); coding-DNA position 212, G replaced by C.
Protein change: p.Cys71Ser; replaces cysteine 71 with serine.
Molecular consequence: missense variant.
Genome position (GRCh38, 1-based): chr2:189,110,335, C>G on the plus strand (G>C on the coding strand, the complement: COL5A2 is on the minus strand). VCF-style: chr2-189110335-C-G. GRCh37 (hg19) VCF-style: chr2-189975061-C-G.
Other names: short protein forms C71S.
Identifiers: ClinVar variation 2831635 (VCV002831635.3), dbSNP rs2469425273, ClinGen allele CA349868082.